The following is an entry in ClinVar:

NM_024312.5(GNPTAB):c.3621del (p.Lys1207fs)

Gene: GNPTAB (N-acetylglucosamine-1-phosphate transferase subunits alpha and beta; minus strand). Cytogenetic location: 12q23.2.
Variant type: Deletion.
Coding change: c.3621del on transcript NM_024312.5 (MANE Select); coding-DNA position 3621, one base deleted (A; older notation c.3621delA).
Protein change: p.Lys1207fs; shifts the reading frame from lysine 1207.
Molecular consequence: frameshift variant.
Genome position (GRCh38, 1-based): chr12:101,749,173, T deleted on the plus strand (A on the coding strand, the reverse complement: GNPTAB is on the minus strand); the first of 3 consecutive T bases (chr12:101,749,173-101,749,175); deleting any one gives the same sequence. VCF-style (leftmost placement, unchanged base first): chr12-101749172-AT-A. GRCh37 (hg19) VCF-style: chr12-102142950-AT-A.
Other names: short protein forms K1207fs.
Identifiers: ClinVar variation 2035881 (VCV002035881.4), dbSNP rs2547948106, ClinGen allele CA2580085661.

ClinVar aggregate classification (germline): Pathogenic (1 of 4 stars; one submission).

Conditions:
Pseudo-Hurler polydystrophy. Also called: MUCOLIPIDOSIS IIIA; ML III; ML III ALPHA/BETA; Type III Mucolipidosis; ML IIIA; Mucolipidosis III Alpha/Beta. Identifiers: Orphanet 423461, Orphanet 577, MedGen C0033788, MONDO:0018931, OMIM 252600.
Mucolipidosis type II. Also called: Mucolipidosis II Alpha/Beta; ML II ALPHA/BETA; Mucolipidosis 2; ML 2; Inclusion cell disease; Leroy Disease. Identifiers: Orphanet 576, MedGen C2673377, MONDO:0009650, OMIM 252500.

Submission:

Labcorp Genetics (formerly Invitae), Labcorp
Classification: Pathogenic for Pseudo-Hurler polydystrophy; Mucolipidosis type II. Last evaluated: 2023-06-20. Review status: criteria provided, single submitter. Criteria: Invitae Variant Classification Sherloc (09022015). Collection method: clinical testing. Allele origin: germline.
Comment: This sequence change creates a premature translational stop signal (p.Lys1207Asnfs*2) in the GNPTAB gene. It is expected to result in an absent or disrupted protein product. Loss-of-function variants in GNPTAB are known to be pathogenic (PMID: 19617216, 25107912). This variant is not present in population databases (gnomAD no frequency). This variant has not been reported in the literature in individuals affected with GNPTAB-related conditions. ClinVar contains an entry for this variant (Variation ID: 2035881). For these reasons, this variant has been classified as Pathogenic.

Literature cited by the submitters: PubMed 19617216; PubMed 25107912.